The following is an entry in ClinVar:

NM_021098.3(CACNA1H):c.3957_3958delinsCT (p.Pro1320Ser)

Gene: CACNA1H (calcium voltage-gated channel subunit alpha1 H; plus strand). Cytogenetic location: 16p13.3.
Variant type: Indel.
Coding change: c.3957_3958delinsCT on transcript NM_021098.3 (MANE Select); coding-DNA positions 3957 to 3958, TC replaced by CT.
Protein change: p.Pro1320Ser; replaces proline 1320 with serine.
Molecular consequence: missense variant.
Genome position (GRCh38, 1-based): chr16:1,210,481-1,210,482, TC replaced by CT. VCF-style: chr16-1210481-TC-CT. GRCh37 (hg19) VCF-style: chr16-1260481-TC-CT.
Other names: c.3957_3958delinsCT, p.Pro1320Ser (NM_001005407.2); short protein forms P1320S.
Identifiers: ClinVar variation 3748562 (VCV003748562.2).

ClinVar aggregate classification (germline): Uncertain significance (1 of 4 stars; one submission).

Conditions:
Idiopathic generalized epilepsy. Also called: Generalised epilepsy; EIG. Identifiers: MedGen C0270850, MONDO:0005579, OMIM 600669.
Hyperaldosteronism, familial, type IV (HALD4). Also called: FH IV; ALDOSTERONISM, PRIMARY, AND HYPERTENSION. Identifiers: Orphanet 642671, MedGen C4310756, MONDO:0014875, OMIM 617027.

Submission:

Labcorp Genetics (formerly Invitae), Labcorp
Classification: Uncertain significance for Idiopathic generalized epilepsy; Hyperaldosteronism, familial, type IV. Last evaluated: 2025-01-12. Review status: criteria provided, single submitter. Criteria: Invitae Variant Classification Sherloc (09022015). Collection method: clinical testing. Allele origin: germline.
Comment: This sequence change replaces proline, which is neutral and non-polar, with serine, which is neutral and polar, at codon 1320 of the CACNA1H protein (p.Pro1320Ser). Information on the frequency of this variant in the gnomAD database is not available, as this variant may be reported differently in the database. This variant has not been reported in the literature in individuals affected with CACNA1H-related conditions. Experimental studies and prediction algorithms are not available or were not evaluated, and the functional significance of this variant is currently unknown. In summary, the available evidence is currently insufficient to determine the role of this variant in disease. Therefore, it has been classified as a Variant of Uncertain Significance.